The following is an entry in ClinVar:

NM_000047.3(ARSL):c.1405C>T (p.Arg469Trp)

Gene: ARSL (arylsulfatase L; minus strand). Cytogenetic location: Xp22.33.
Variant type: single nucleotide variant.
Coding change: c.1405C>T on transcript NM_000047.3 (MANE Select); coding-DNA position 1405, C replaced by T.
Protein change: p.Arg469Trp; replaces arginine 469 with tryptophan.
Molecular consequence: missense variant.
Genome position (GRCh38, 1-based): chrX:2,936,748, G>A on the plus strand (C>T on the coding strand, the complement: ARSL is on the minus strand). VCF-style: chrX-2936748-G-A. GRCh37 (hg19) VCF-style: chrX-2854789-G-A.
Other names: c.1480C>T, p.Arg494Trp (NM_001282628.2, NM_001369080.1); c.1243C>T, p.Arg415Trp (NM_001282631.2); c.1432C>T, p.Arg478Trp (NM_001369079.1); c.1405C>T (NM_000047.2); short protein forms R415W, R469W, R478W, R494W.
Identifiers: ClinVar variation 1683181 (VCV001683181.11), dbSNP rs761977883, ClinGen allele CA10338016.

ClinVar aggregate classification (germline): Conflicting classifications of pathogenicity. Review status: criteria provided, conflicting classifications (1 of 4 stars). 3 submissions from 3 submitters: Uncertain significance (1); Likely benign (2). Last evaluated 2025-12-17.

Conditions:
Inborn genetic diseases. Identifiers: MedGen C0950123, MeSH D030342.
Chondrodysplasia punctata, brachytelephalangic, autosomal. Also called: BRACHYTELEPHALANGIC CHONDRODYSPLASIA PUNCTATA. Identifiers: MedGen C1844853, MONDO:0011238, OMIM 602497.

Allele frequency attached by ClinVar (database versions not stated): gnomAD exomes 0.00002 and 0.00009; ExAC 0.00005; gnomAD 0.00005 and 0.00006; TOPMed 0.00008.
gnomAD v4.1: 33 of 1,209,409 alleles (0.0027%); highest among the groups gnomAD compares: Admixed American, 0.05%; no homozygotes.

Submissions (3):

Labcorp Genetics (formerly Invitae), Labcorp
Classification: Likely benign for Chondrodysplasia punctata, brachytelephalangic, autosomal. Last evaluated: 2025-12-17. Review status: criteria provided, single submitter. Criteria: Invitae Variant Classification Sherloc (09022015). Collection method: clinical testing. Allele origin: germline.

Ambry Genetics
Classification: Likely benign for Inborn genetic diseases. Last evaluated: 2025-06-23. Review status: criteria provided, single submitter. Criteria: Ambry Variant Classification Scheme 2023. Collection method: clinical testing. Allele origin: germline.

GeneDx
Classification: Uncertain significance. Last evaluated: 2024-09-11. Review status: criteria provided, single submitter. Criteria: GeneDx Variant Classification Process June 2021. Collection method: clinical testing. Allele origin: germline. Affected: yes.
Comment: Identified in the hemizygous state in an individual without features of chondrodysplasia punctata in published literature (PMID: 38053926); In silico analysis supports that this missense variant has a deleterious effect on protein structure/function; This variant is associated with the following publications: (PMID: 38053926)